The following is an entry in ClinVar:

NM_006904.7(PRKDC):c.11054C>A (p.Pro3685His)

Gene: PRKDC (protein kinase, DNA-activated, catalytic subunit; minus strand). Cytogenetic location: 8q11.21.
Variant type: single nucleotide variant.
Coding change: c.11054C>A on transcript NM_006904.7 (MANE Select); coding-DNA position 11054, C replaced by A.
Protein change: p.Pro3685His; replaces proline 3685 with histidine.
Molecular consequence: missense variant.
Genome position (GRCh38, 1-based): chr8:47,785,166, G>T on the plus strand (C>A on the coding strand, the complement: PRKDC is on the minus strand). VCF-style: chr8-47785166-G-T. GRCh37 (hg19) VCF-style: chr8-48697727-G-T.
Other names: c.11054C>A, p.Pro3685His (NM_001081640.2); short protein forms P3685H.
Identifiers: ClinVar variation 1500181 (VCV001500181.6), dbSNP rs2086770528, ClinGen allele CA371130940.

ClinVar aggregate classification (germline): Uncertain significance (1 of 4 stars; one submission).

Conditions:
Severe combined immunodeficiency due to DNA-PKcs deficiency. Also called: IMMUNODEFICIENCY 26 WITH NEUROLOGIC ABNORMALITIES; Immunodeficiency 26 with or without neurologic abnormalities. Identifiers: Orphanet 317425, MedGen C4014833, MONDO:0014423, OMIM 615966.

Submission:

Labcorp Genetics (formerly Invitae), Labcorp
Classification: Uncertain significance for Severe combined immunodeficiency due to DNA-PKcs deficiency. Last evaluated: 2022-08-31. Review status: criteria provided, single submitter. Criteria: Invitae Variant Classification Sherloc (09022015). Collection method: clinical testing. Allele origin: germline.
Comment: This sequence change replaces proline, which is neutral and non-polar, with histidine, which is basic and polar, at codon 3685 of the PRKDC protein (p.Pro3685His). This variant is not present in population databases (gnomAD no frequency). This variant has not been reported in the literature in individuals affected with PRKDC-related conditions. ClinVar contains an entry for this variant (Variation ID: 1500181). Experimental studies and prediction algorithms are not available or were not evaluated, and the functional significance of this variant is currently unknown. In summary, the available evidence is currently insufficient to determine the role of this variant in disease. Therefore, it has been classified as a Variant of Uncertain Significance.